The following is an entry in ClinVar:

ClinVar aggregate classification (germline): Uncertain significance (1 of 4 stars; one submission).

Allele frequency attached by ClinVar (database versions not stated): TOPMed below 0.00001; ExAC 0.00002; gnomAD exomes 0.00002.
gnomAD v4.1: 26 of 1,613,886 alleles (0.0016%); highest among the groups gnomAD compares: East Asian, 0.011%; no homozygotes.

Submissions (2):

Labcorp Genetics (formerly Invitae), Labcorp
Classification: Uncertain significance. Last evaluated: 2025-10-22. Review status: criteria provided, single submitter. Criteria: Invitae Variant Classification Sherloc (09022015). Collection method: clinical testing. Allele origin: germline.
Comment: This sequence change affects codon 336 of the COL9A2 mRNA. It is a 'silent' change, meaning that it does not change the encoded amino acid sequence of the COL9A2 protein. This variant also falls at the last nucleotide of exon 19, which is part of the consensus splice site for this exon. This variant is present in population databases (rs760647943, gnomAD 0.006%). This variant has not been reported in the literature in individuals affected with COL9A2-related conditions. ClinVar contains an entry for this variant (Variation ID: 2732398). Variants that disrupt the consensus splice site are a relatively common cause of aberrant splicing (PMID: 17576681, 9536098). Algorithms developed to predict the effect of sequence changes on RNA splicing suggest that this variant may disrupt the consensus splice site. In summary, the available evidence is currently insufficient to determine the role of this variant in disease. Therefore, it has been classified as a Variant of Uncertain Significance.

Dr. Peter K. Rogan Lab, Western University
No classification provided (evidence only). Condition: Cervical cancer. Review status: no classification provided. Collection method: in vitro. Allele origin: not applicable. Functional consequence: skipped exon, retained intron. Not counted in ClinVar's aggregate classification.

Literature cited by the submitters: PubMed 17576681 (cited by Labcorp Genetics (formerly Invitae), Labcorp); PubMed 9536098 (cited by Labcorp Genetics (formerly Invitae), Labcorp).

NM_001852.4(COL9A2):c.1008G>A (p.Ala336=)

Gene: COL9A2 (collagen type IX alpha 2 chain; minus strand). Cytogenetic location: 1p34.2.
Variant type: single nucleotide variant.
Coding change: c.1008G>A on transcript NM_001852.4 (MANE Select); coding-DNA position 1008, G replaced by A.
Protein change: p.Ala336=; no amino-acid change (alanine 336 retained).
Molecular consequence: synonymous variant.
Genome position (GRCh38, 1-based): chr1:40,307,446, C>T on the plus strand (G>A on the coding strand, the complement: COL9A2 is on the minus strand). VCF-style: chr1-40307446-C-T. GRCh37 (hg19) VCF-style: chr1-40773118-C-T.
Identifiers: ClinVar variation 2732398 (VCV002732398.4), dbSNP rs760647943, ClinGen allele CA791637.